The following is an entry in ClinVar:

GRCh38/hg38 Xq26.2(chrX:132776918-133371859)x3

Genes: GPC4 (glypican 4; minus strand), HS6ST2 (heparan sulfate 6-O-sulfotransferase 2; minus strand), TFDP3 (transcription factor Dp family member 3; minus strand), USP26 (ubiquitin specific peptidase 26; minus strand). Cytogenetic location: Xq26.2.
Variant type: copy number gain.
Change: copy number 3 of chrX:132,776,918-133,371,859 (594.9 kb, GRCh38 coordinates, 1-based), cytogenetic band Xq26.2.
Identifiers: ClinVar variation 57269 (VCV000057269.1).

ClinVar aggregate classification (germline): Uncertain significance (1 of 4 stars; one submission).

Submission:

ISCA site 4
Classification: Uncertain significance. Last evaluated: 2011-08-12. Review status: criteria provided, single submitter. Criteria: Kaminsky et al. (Genet Med. 2011). Collection method: clinical testing. Allele origin: unknown. Affected: yes. Observed: 1 variant allele.
Comment: Copy number variation identified through the course of routine clinical cytogenomic testing in postnatal populations. Clinical assertions have been curated as described in Kaminsky et al. 2011.